The following is an entry in ClinVar:

NM_004369.4(COL6A3):c.2141G>C (p.Gly714Ala)

Gene: COL6A3 (collagen type VI alpha 3 chain; minus strand). Cytogenetic location: 2q37.3.
Variant type: single nucleotide variant.
Coding change: c.2141G>C on transcript NM_004369.4 (MANE Select); coding-DNA position 2141, G replaced by C.
Protein change: p.Gly714Ala; replaces glycine 714 with alanine.
Molecular consequence: missense variant. On other transcripts: intron variant (1).
Genome position (GRCh38, 1-based): chr2:237,378,992, C>G on the plus strand (G>C on the coding strand, the complement: COL6A3 is on the minus strand). VCF-style: chr2-237378992-C-G. GRCh37 (hg19) VCF-style: chr2-238287635-C-G.
Other names: c.1523G>C, p.Gly508Ala (NM_057167.4, NM_057165.5); c.677-1648G>C (NM_057166.5); c.920G>C, p.Gly307Ala (NM_057164.5); short protein forms G508A, G307A, G714A.
Identifiers: ClinVar variation 4760332 (VCV004760332.1).

ClinVar aggregate classification (germline): Uncertain significance (1 of 4 stars; one submission).

Conditions:
Bethlem myopathy 1A. Also called: Bethlem myopathy 1; Bethlem Muscular Dystrophy; MYOPATHY, BENIGN CONGENITAL, WITH CONTRACTURES. Identifiers: Orphanet 610, MedGen CN029274, MONDO:0024530, OMIM 158810.

Submission:

Labcorp Genetics (formerly Invitae), Labcorp
Classification: Uncertain significance for Bethlem myopathy 1A. Last evaluated: 2025-06-05. Review status: criteria provided, single submitter. Criteria: Invitae Variant Classification Sherloc (09022015). Collection method: clinical testing. Allele origin: germline.
Comment: This sequence change replaces glycine, which is neutral and non-polar, with alanine, which is neutral and non-polar, at codon 714 of the COL6A3 protein (p.Gly714Ala). This variant is not present in population databases (gnomAD no frequency). This variant has not been reported in the literature in individuals affected with COL6A3-related conditions. Invitae Evidence Modeling of protein sequence and biophysical properties (such as structural, functional, and spatial information, amino acid conservation, physicochemical variation, residue mobility, and thermodynamic stability) has been performed for this missense variant. However, the output from this modeling did not meet the statistical confidence thresholds required to predict the impact of this variant on COL6A3 protein function. In summary, the available evidence is currently insufficient to determine the role of this variant in disease. Therefore, it has been classified as a Variant of Uncertain Significance.